The following is an entry in ClinVar:

NM_014975.3(MAST1):c.3004-3C>A

Gene: MAST1 (microtubule associated serine/threonine kinase 1; plus strand). Cytogenetic location: 19p13.13.
Variant type: single nucleotide variant.
Coding change: c.3004-3C>A on transcript NM_014975.3 (MANE Select); 3 bases into the intron before coding-DNA position 3004, C replaced by A.
Molecular consequence: intron variant.
Genome position (GRCh38, 1-based): chr19:12,870,821, C>A. VCF-style: chr19-12870821-C-A. GRCh37 (hg19) VCF-style: chr19-12981635-C-A.
Identifiers: ClinVar variation 3715191 (VCV003715191.3).

ClinVar aggregate classification (germline): Conflicting classifications of pathogenicity. Review status: criteria provided, conflicting classifications (1 of 4 stars). 2 submissions from 2 submitters: Uncertain significance (1); Likely benign (1). Last evaluated 2026-09-01.

gnomAD v4.1: 13 of 1,599,726 alleles (0.00081%); highest among the groups gnomAD compares: Admixed American, 0.022%; no homozygotes.

Submissions (2):

CeGaT Center for Human Genetics Tuebingen
Classification: Likely benign. Last evaluated: 2026-09-01. Review status: criteria provided, single submitter. Criteria: CeGaT Center For Human Genetics Tuebingen Variant Classification Criteria Version 2. Collection method: clinical testing. Allele origin: germline. Affected: yes. Observed: 1 variant allele.
Comment: MAST1: BP4

Labcorp Genetics (formerly Invitae), Labcorp
Classification: Uncertain significance. Last evaluated: 2025-04-18. Review status: criteria provided, single submitter. Criteria: Invitae Variant Classification Sherloc (09022015). Collection method: clinical testing. Allele origin: germline.
Comment: This sequence change falls in intron 22 of the MAST1 gene. It does not directly change the encoded amino acid sequence of the MAST1 protein. It affects a nucleotide within the consensus splice site. This variant is present in population databases (rs776039823, gnomAD 0.02%). This variant has not been reported in the literature in individuals affected with MAST1-related conditions. ClinVar contains an entry for this variant (Variation ID: 3715191). Variants that disrupt the consensus splice site are a relatively common cause of aberrant splicing (PMID: 17576681, 9536098). Algorithms developed to predict the effect of sequence changes on RNA splicing suggest that this variant is not likely to affect RNA splicing. In summary, the available evidence is currently insufficient to determine the role of this variant in disease. Therefore, it has been classified as a Variant of Uncertain Significance.

Literature cited by the submitters: PubMed 17576681 (cited by Labcorp Genetics (formerly Invitae), Labcorp); PubMed 9536098 (cited by Labcorp Genetics (formerly Invitae), Labcorp).